The following is an entry in ClinVar:

ClinVar aggregate classification (germline): Likely benign. Review status: criteria provided, multiple submitters, no conflicts (2 of 4 stars). 5 submissions from 5 submitters: Likely benign (5). Last evaluated 2026-09-01.

Conditions:
Cardiovascular phenotype. Identifiers: MedGen CN230736.

Allele frequency attached by ClinVar (database versions not stated): gnomAD 0.00011 and 0.00012; 1000 Genomes Project 30x 0.00016; 1000 Genomes Project 0.00020; TOPMed 0.00021; gnomAD exomes 0.00035.
gnomAD v4.1: 162 of 1,550,382 alleles (0.01%); highest among the groups gnomAD compares: East Asian, 0.21%; 2 homozygotes.

Submissions (5):

CeGaT Center for Human Genetics Tuebingen
Classification: Likely benign. Last evaluated: 2026-09-01. Review status: criteria provided, single submitter. Criteria: CeGaT Center For Human Genetics Tuebingen Variant Classification Criteria Version 2. Collection method: clinical testing. Allele origin: germline. Affected: yes. Observed: 1 variant allele.
Comment: ZNF469: BP4, BP7

Labcorp Genetics (formerly Invitae), Labcorp
Classification: Likely benign. Last evaluated: 2025-11-03. Review status: criteria provided, single submitter. Criteria: Invitae Variant Classification Sherloc (09022015). Collection method: clinical testing. Allele origin: germline.

Women's Health and Genetics/Laboratory Corporation of America, LabCorp
Classification: Likely benign. Last evaluated: 2025-03-05. Review status: criteria provided, single submitter. Criteria: LabCorp Variant Classification Summary - May 2015. Collection method: clinical testing. Allele origin: germline.

Ambry Genetics
Classification: Likely benign for Cardiovascular phenotype. Last evaluated: 2020-03-14. Review status: criteria provided, single submitter. Criteria: Ambry Variant Classification Scheme 2023. Collection method: clinical testing. Allele origin: germline.

GeneDx
Classification: Likely benign. Last evaluated: 2019-02-28. Review status: criteria provided, single submitter. Criteria: GeneDx Variant Classification Process June 2021. Collection method: clinical testing. Allele origin: germline. Affected: yes.

NM_001367624.2(ZNF469):c.7707C>T (p.His2569=)

Gene: ZNF469 (zinc finger protein 469; plus strand). Cytogenetic location: 16q24.2.
Variant type: single nucleotide variant.
Coding change: c.7707C>T on transcript NM_001367624.2 (MANE Select); coding-DNA position 7707, C replaced by T.
Protein change: p.His2569=; no amino-acid change (histidine 2569 retained).
Molecular consequence: synonymous variant.
Genome position (GRCh38, 1-based): chr16:88,435,177, C>T. VCF-style: chr16-88435177-C-T. GRCh37 (hg19) VCF-style: chr16-88501585-C-T.
Other names: NM_001127464.1:c.7623C>T.
Identifiers: ClinVar variation 509424 (VCV000509424.15), dbSNP rs140697844, ClinGen allele CA286383105.